The following is an entry in ClinVar:

ClinVar aggregate classification (germline): Uncertain significance (1 of 4 stars; one submission).

Submission:

Labcorp Genetics (formerly Invitae), Labcorp
Classification: Uncertain significance. Last evaluated: 2022-02-10. Review status: criteria provided, single submitter. Criteria: Invitae Variant Classification Sherloc (09022015). Collection method: clinical testing. Allele origin: germline.
Comment: This sequence change replaces isoleucine, which is neutral and non-polar, with valine, which is neutral and non-polar, at codon 224 of the CDH23 protein (p.Ile224Val). This variant is not present in population databases (gnomAD no frequency). This variant has not been reported in the literature in individuals affected with CDH23-related conditions. ClinVar contains an entry for this variant (Variation ID: 1016579). Algorithms developed to predict the effect of missense changes on protein structure and function are either unavailable or do not agree on the potential impact of this missense change (SIFT: "Deleterious"; PolyPhen-2: "Not Available"; Align-GVGD: "Class C0"). In summary, the available evidence is currently insufficient to determine the role of this variant in disease. Therefore, it has been classified as a Variant of Uncertain Significance.

NM_022124.6(CDH23):c.670A>G (p.Ile224Val)

Gene: CDH23 (cadherin related 23; plus strand). Cytogenetic location: 10q22.1.
Variant type: single nucleotide variant.
Coding change: c.670A>G on transcript NM_022124.6 (MANE Select); coding-DNA position 670, A replaced by G.
Protein change: p.Ile224Val; replaces isoleucine 224 with valine.
Molecular consequence: missense variant.
Genome position (GRCh38, 1-based): chr10:71,570,835, A>G. VCF-style: chr10-71570835-A-G. GRCh37 (hg19) VCF-style: chr10-73330592-A-G.
Other names: c.670A>G, p.Ile224Val (NM_001171930.2, NM_001171931.2, NM_001171932.2 and 1 more transcripts); short protein forms I224V.
Identifiers: ClinVar variation 1016579 (VCV001016579.8), dbSNP rs1857749050, ClinGen allele CA377112782.